The following is an entry in ClinVar:

ClinVar aggregate classification (germline): Uncertain significance (1 of 4 stars; one submission).

Allele frequency attached by ClinVar (database versions not stated): TOPMed below 0.00001; ExAC 0.00001; gnomAD exomes 0.00001; gnomAD 0.00003 and 0.00004.
gnomAD v4.1: 20 of 1,577,900 alleles (0.0013%); highest among the groups gnomAD compares: Non-Finnish European, 0.0017%; no homozygotes.

Submission:

Labcorp Genetics (formerly Invitae), Labcorp
Classification: Uncertain significance. Last evaluated: 2022-06-20. Review status: criteria provided, single submitter. Criteria: Invitae Variant Classification Sherloc (09022015). Collection method: clinical testing. Allele origin: germline.
Comment: In summary, the available evidence is currently insufficient to determine the role of this variant in disease. Therefore, it has been classified as a Variant of Uncertain Significance. Algorithms developed to predict the effect of sequence changes on RNA splicing suggest that this variant may disrupt the consensus splice site. This variant has not been reported in the literature in individuals affected with PDE6A-related conditions. This variant is present in population databases (rs748474348, gnomAD 0.003%). This sequence change falls in intron 12 of the PDE6A gene. It does not directly change the encoded amino acid sequence of the PDE6A protein.

NM_000440.3(PDE6A):c.1621-9T>A

Gene: PDE6A (phosphodiesterase 6A; minus strand). Cytogenetic location: 5q32.
Variant type: single nucleotide variant.
Coding change: c.1621-9T>A on transcript NM_000440.3 (MANE Select); 9 bases into the intron before coding-DNA position 1621, T replaced by A.
Molecular consequence: intron variant.
Genome position (GRCh38, 1-based): chr5:149,895,299, A>T on the plus strand (T>A on the coding strand, the complement: PDE6A is on the minus strand). VCF-style: chr5-149895299-A-T. GRCh37 (hg19) VCF-style: chr5-149274862-A-T.
Identifiers: ClinVar variation 1352325 (VCV001352325.6), dbSNP rs748474348, ClinGen allele CA3504610.